The following is an entry in ClinVar:

ClinVar aggregate classification (germline): Uncertain significance (1 of 4 stars; one submission).

Conditions:
Fibrous dysplasia of jaw (CRBM). Also called: Cherubism. Identifiers: Orphanet 184, MedGen C0008029, MONDO:0007315, OMIM 118400.

Submission:

Labcorp Genetics (formerly Invitae), Labcorp
Classification: Uncertain significance for Fibrous dysplasia of jaw. Last evaluated: 2025-02-09. Review status: criteria provided, single submitter. Criteria: Invitae Variant Classification Sherloc (09022015). Collection method: clinical testing. Allele origin: germline.
Comment: This sequence change replaces alanine, which is neutral and non-polar, with threonine, which is neutral and polar, at codon 30 of the SH3BP2 protein (p.Ala30Thr). This variant is not present in population databases (gnomAD no frequency). This variant has not been reported in the literature in individuals affected with SH3BP2-related conditions. Invitae Evidence Modeling of protein sequence and biophysical properties (such as structural, functional, and spatial information, amino acid conservation, physicochemical variation, residue mobility, and thermodynamic stability) indicates that this missense variant is not expected to disrupt SH3BP2 protein function with a negative predictive value of 95%. In summary, the available evidence is currently insufficient to determine the role of this variant in disease. Therefore, it has been classified as a Variant of Uncertain Significance.

NM_001122681.2(SH3BP2):c.88G>A (p.Ala30Thr)

Gene: SH3BP2 (SH3 domain binding protein 2; plus strand). Cytogenetic location: 4p16.3.
Variant type: single nucleotide variant.
Coding change: c.88G>A on transcript NM_001122681.2 (MANE Select); coding-DNA position 88, G replaced by A.
Protein change: p.Ala30Thr; replaces alanine 30 with threonine.
Molecular consequence: missense variant.
Genome position (GRCh38, 1-based): chr4:2,820,705, G>A. VCF-style: chr4-2820705-G-A. GRCh37 (hg19) VCF-style: chr4-2822432-G-A.
Other names: c.172G>A, p.Ala58Thr (NM_001145855.2); c.259G>A, p.Ala87Thr (NM_001145856.2); c.88G>A, p.Ala30Thr (NM_003023.4); short protein forms A30T, A58T, A87T.
Identifiers: ClinVar variation 4797835 (VCV004797835.1).